The following is an entry in ClinVar:

NM_178857.6(RP1L1):c.116T>A (p.Leu39His)

Gene: RP1L1 (RP1 like 1). Cytogenetic location: 8p23.1.
Variant type: single nucleotide variant.
Coding change: c.116T>A on transcript NM_178857.6 (MANE Select); coding-DNA position 116, T replaced by A.
Protein change: p.Leu39His; replaces leucine 39 with histidine.
Molecular consequence: missense variant.
Genome position (GRCh38, 1-based): chr8:10,623,086, A>T on the plus strand (T>A on the coding strand, the complement: RP1L1 is on the minus strand). VCF-style: chr8-10623086-A-T. GRCh37 (hg19) VCF-style: chr8-10480596-A-T.
Other names: short protein forms L39H.
Identifiers: ClinVar variation 4778306 (VCV004778306.1).
Genomic context (GRCh38, chr8:10,623,086, plus strand): 5'-TTAAAGGCGCGCTGGTGAACGGCCAGGCGGACCCCAGCAAACCGTGGATCCCCTCGCTTG[A>T]GGAAGGTGATCTTCTTGGCTGGCGTGACCTTGGTGACCGAGGGGGTGCGAGCCACAGAGG-3'
Protein context (NP_849188.4, residues 29-49): KVTPAKKITF[Leu39His]KRGDPRFAGV

ClinVar aggregate classification (germline): Uncertain significance (1 of 4 stars; one submission).

Submission:

Labcorp Genetics (formerly Invitae), Labcorp
Classification: Uncertain significance. Last evaluated: 2025-09-06. Review status: criteria provided, single submitter. Criteria: Invitae Variant Classification Sherloc (09022015). Collection method: clinical testing. Allele origin: germline.
Comment: This sequence change replaces leucine, which is neutral and non-polar, with histidine, which is basic and polar, at codon 39 of the RP1L1 protein (p.Leu39His). This variant is not present in population databases (gnomAD no frequency). This variant has not been reported in the literature in individuals affected with RP1L1-related conditions. Invitae Evidence Modeling of protein sequence and biophysical properties (such as structural, functional, and spatial information, amino acid conservation, physicochemical variation, residue mobility, and thermodynamic stability) indicates that this missense variant is not expected to disrupt RP1L1 protein function with a negative predictive value of 80%. In summary, the available evidence is currently insufficient to determine the role of this variant in disease. Therefore, it has been classified as a Variant of Uncertain Significance.